The following is an entry in ClinVar:

NM_198576.4(AGRN):c.3264G>C (p.Leu1088Phe)

Gene: AGRN (agrin; plus strand). Cytogenetic location: 1p36.33.
Variant type: single nucleotide variant.
Coding change: c.3264G>C on transcript NM_198576.4 (MANE Select); coding-DNA position 3264, G replaced by C.
Protein change: p.Leu1088Phe; replaces leucine 1088 with phenylalanine.
Molecular consequence: missense variant.
Genome position (GRCh38, 1-based): chr1:1,046,833, G>C. VCF-style: chr1-1046833-G-C. GRCh37 (hg19) VCF-style: chr1-982213-G-C.
Other names: c.3264G>C (LRG_198t1); c.3264G>C, p.Leu1088Phe (NM_001305275.2); c.2949G>C, p.Leu983Phe (NM_001364727.2); short protein forms L1088F, L983F.
Identifiers: ClinVar variation 128298 (VCV000128298.21), dbSNP rs150132566, ClinGen allele CA151629.

ClinVar aggregate classification (germline): Benign/Likely benign. Review status: criteria provided, multiple submitters, no conflicts (2 of 4 stars). 8 submissions from 8 submitters: Benign (5); Likely benign (2). 1 of the submissions does not count toward it. Last evaluated 2026-02-01.

Conditions:
Congenital myasthenic syndrome 8. Also called: Myasthenic syndrome, congenital, 8, with pre- and postsynaptic defects; MYASTHENIC SYNDROME, CONGENITAL, DUE TO AGRIN DEFICIENCY. Identifiers: Orphanet 590, MedGen C3808739, MONDO:0014052, OMIM 615120.

Allele frequency attached by ClinVar (database versions not stated): TOPMed 0.01392; ESP Exome Variant Server 0.01469; 1000 Genomes Project 0.01498; 1000 Genomes Project 30x 0.01499.
gnomAD v4.1: 11,655 of 1,585,702 alleles (0.74%); highest among the groups gnomAD compares: African/African-American, 3%; 74 homozygotes.

Submissions (8):

Labcorp Genetics (formerly Invitae), Labcorp
Classification: Benign for Congenital myasthenic syndrome 8. Last evaluated: 2026-02-01. Review status: criteria provided, single submitter. Criteria: Invitae Variant Classification Sherloc (09022015). Collection method: clinical testing. Allele origin: germline.

Mayo Clinic Laboratories, Mayo Clinic
Classification: Benign. Last evaluated: 2024-03-05. Review status: criteria provided, single submitter. Criteria: ACMG Guidelines, 2015. Collection method: clinical testing. Allele origin: germline. Observed: 7 variant alleles.
Comment: BS1, BS2, BP4

Athena Diagnostics
Classification: Benign. Last evaluated: 2021-03-22. Review status: criteria provided, single submitter. Criteria: Athena Diagnostics criteria. Collection method: clinical testing. Allele origin: unknown.

GeneDx
Classification: Benign. Last evaluated: 2018-01-09. Review status: criteria provided, single submitter. Criteria: GeneDx Variant Classification (06012015). Collection method: clinical testing. Allele origin: germline. Affected: yes.
Comment: This variant is considered likely benign or benign based on one or more of the following criteria: it is a conservative change, it occurs at a poorly conserved position in the protein, it is predicted to be benign by multiple in silico algorithms, and/or has population frequency not consistent with disease.

Center for Pediatric Genomic Medicine, Children's Mercy Hospital and Clinics
Classification: Likely benign. Last evaluated: 2017-01-02. Review status: criteria provided, single submitter. Criteria: ACMG Guidelines, 2015. Collection method: clinical testing. Allele origin: germline.
ClinVar note: Converted during submission from Likely Benign to Likely benign.

Breakthrough Genomics
Classification: Likely benign. Review status: criteria provided, single submitter. Criteria: ACMG Guidelines, 2015. Collection method: not provided. Allele origin: germline. Inheritance: Autosomal recessive inheritance. Affected: yes.

PreventionGenetics, part of Exact Sciences
Classification: Benign. Review status: criteria provided, single submitter. Criteria: ACMG Guidelines, 2015. Collection method: clinical testing. Allele origin: germline.

Genetic Services Laboratory, University of Chicago
Classification: Likely benign for AllHighlyPenetrant. Review status: no assertion criteria provided. Collection method: clinical testing. Allele origin: germline. Inheritance: Autosomal recessive inheritance. Not counted in ClinVar's aggregate classification.
Comment: Likely benign based on allele frequency in 1000 Genomes Project or ESP global frequency and its presence in a patient with a rare or unrelated disease phenotype. NOT Sanger confirmed.

Literature cited by the submitters: PubMed 19631309 (cited by Athena Diagnostics).